The following is an entry in ClinVar:

NM_016006.6(ABHD5):c.841A>G (p.Ile281Val)

Gene: ABHD5 (abhydrolase domain containing 5, lysophosphatidic acid acyltransferase; plus strand). Cytogenetic location: 3p21.33.
Variant type: single nucleotide variant.
Coding change: c.841A>G on transcript NM_016006.6 (MANE Select); coding-DNA position 841, A replaced by G.
Protein change: p.Ile281Val; replaces isoleucine 281 with valine.
Molecular consequence: missense variant. On other transcripts: non-coding transcript variant (1), intron variant (1).
Genome position (GRCh38, 1-based): chr3:43,717,738, A>G. VCF-style: chr3-43717738-A-G. GRCh37 (hg19) VCF-style: chr3-43759230-A-G.
Other names: c.841A>G, p.Ile281Val (NM_001355186.2); c.718A>G, p.Ile240Val (NM_001365649.1); c.774-705A>G (NM_001365650.1); short protein forms I281V, I240V.
Identifiers: ClinVar variation 1913964 (VCV001913964.3), dbSNP rs554355585, ClinGen allele CA2341482.

ClinVar aggregate classification (germline): Uncertain significance (1 of 4 stars; one submission).

Allele frequency attached by ClinVar (database versions not stated): gnomAD exomes below 0.00001; gnomAD 0.00001; ExAC 0.00002; 1000 Genomes Project 30x 0.00016; 1000 Genomes Project 0.00020.
gnomAD v4.1: 7 of 1,614,206 alleles (0.00043%); highest among the groups gnomAD compares: African/African-American, 0.008%; no homozygotes.

Submission:

Labcorp Genetics (formerly Invitae), Labcorp
Classification: Uncertain significance. Last evaluated: 2022-07-06. Review status: criteria provided, single submitter. Criteria: Invitae Variant Classification Sherloc (09022015). Collection method: clinical testing. Allele origin: germline.
Comment: In summary, the available evidence is currently insufficient to determine the role of this variant in disease. Therefore, it has been classified as a Variant of Uncertain Significance. Algorithms developed to predict the effect of missense changes on protein structure and function (SIFT, PolyPhen-2, Align-GVGD) all suggest that this variant is likely to be tolerated. This variant has not been reported in the literature in individuals affected with ABHD5-related conditions. This variant is present in population databases (rs554355585, gnomAD 0.01%). This sequence change replaces isoleucine, which is neutral and non-polar, with valine, which is neutral and non-polar, at codon 281 of the ABHD5 protein (p.Ile281Val).